The following is an entry in ClinVar:

ClinVar aggregate classification (germline): Uncertain significance (1 of 4 stars; one submission).

gnomAD v4.1: 4 of 1,612,634 alleles (0.00025%); highest among the groups gnomAD compares: Non-Finnish European, 0.00034%; no homozygotes.

Submission:

Labcorp Genetics (formerly Invitae), Labcorp
Classification: Uncertain significance. Last evaluated: 2024-07-03. Review status: criteria provided, single submitter. Criteria: Invitae Variant Classification Sherloc (09022015). Collection method: clinical testing. Allele origin: germline.
Comment: This sequence change replaces isoleucine, which is neutral and non-polar, with phenylalanine, which is neutral and non-polar, at codon 246 of the MTTP protein (p.Ile246Phe). This variant is not present in population databases (gnomAD no frequency). This variant has not been reported in the literature in individuals affected with MTTP-related conditions. Advanced modeling of protein sequence and biophysical properties (such as structural, functional, and spatial information, amino acid conservation, physicochemical variation, residue mobility, and thermodynamic stability) performed at Invitae indicates that this missense variant is not expected to disrupt MTTP protein function with a negative predictive value of 80%. In summary, the available evidence is currently insufficient to determine the role of this variant in disease. Therefore, it has been classified as a Variant of Uncertain Significance.

NM_001386140.1(MTTP):c.736A>T (p.Ile246Phe)

Gene: MTTP (microsomal triglyceride transfer protein; plus strand). Cytogenetic location: 4q23.
Variant type: single nucleotide variant.
Coding change: c.736A>T on transcript NM_001386140.1 (MANE Select); coding-DNA position 736, A replaced by T.
Protein change: p.Ile246Phe; replaces isoleucine 246 with phenylalanine.
Molecular consequence: missense variant.
Genome position (GRCh38, 1-based): chr4:99,591,768, A>T. VCF-style: chr4-99591768-A-T. GRCh37 (hg19) VCF-style: chr4-100512925-A-T.
Other names: c.736A>T, p.Ile246Phe (NM_000253.4); c.487A>T, p.Ile163Phe (NM_001300785.2); short protein forms I163F, I246F.
Identifiers: ClinVar variation 3612063 (VCV003612063.2).